The following is an entry in ClinVar:

NM_007055.4(POLR3A):c.146C>A (p.Ala49Asp)

Gene: POLR3A (RNA polymerase III subunit A; minus strand). Cytogenetic location: 10q22.3.
Variant type: single nucleotide variant.
Coding change: c.146C>A on transcript NM_007055.4 (MANE Select); coding-DNA position 146, C replaced by A.
Protein change: p.Ala49Asp; replaces alanine 49 with aspartic acid.
Molecular consequence: missense variant.
Genome position (GRCh38, 1-based): chr10:78,026,128, G>T on the plus strand (C>A on the coding strand, the complement: POLR3A is on the minus strand). VCF-style: chr10-78026128-G-T. GRCh37 (hg19) VCF-style: chr10-79785886-G-T.
Other names: c.146C>A (NM_007055.3); short protein forms A49D.
Identifiers: ClinVar variation 1422224 (VCV001422224.6), dbSNP rs776040859, ClinGen allele CA5571789.
Genomic context (GRCh38, chr10:78,026,128, plus strand): 5'-TACCAGGAGGGGTGAGGGGGCCTTACCATCCTATGGTCGAGCACCCCATATAGCAAGGGG[G>T]CATGTTGGTTGTCCTGGCTGTACAGGTTCTTACTCACAACTTGGATGTGCGCCTGCTGGC-3'
Protein context (NP_008986.2, residues 39-59): KNLYSQDNQH[Ala49Asp]PLLYGVLDHR

ClinVar aggregate classification (germline): Uncertain significance. Review status: criteria provided, multiple submitters, no conflicts (2 of 4 stars). 2 submissions from 2 submitters: Uncertain significance (2). Last evaluated 2024-11-10.

Conditions:
Inborn genetic diseases. Identifiers: MedGen C0950123, MeSH D030342.

Allele frequency attached by ClinVar (database versions not stated): TOPMed below 0.00001; ExAC 0.00001; gnomAD 0.00001; gnomAD exomes 0.00001.
gnomAD v4.1: 5 of 1,614,080 alleles (0.00031%); highest among the groups gnomAD compares: Non-Finnish European, 0.00042%; no homozygotes.

Submissions (2):

Ambry Genetics
Classification: Uncertain significance for Inborn genetic diseases. Last evaluated: 2024-11-10. Review status: criteria provided, single submitter. Criteria: Ambry Variant Classification Scheme 2023. Collection method: clinical testing. Allele origin: germline.

Labcorp Genetics (formerly Invitae), Labcorp
Classification: Uncertain significance. Last evaluated: 2022-03-12. Review status: criteria provided, single submitter. Criteria: Invitae Variant Classification Sherloc (09022015). Collection method: clinical testing. Allele origin: germline.
Comment: This sequence change replaces alanine, which is neutral and non-polar, with aspartic acid, which is acidic and polar, at codon 49 of the POLR3A protein (p.Ala49Asp). This variant is present in population databases (rs776040859, gnomAD 0.002%). This variant has not been reported in the literature in individuals affected with POLR3A-related conditions. Algorithms developed to predict the effect of missense changes on protein structure and function (SIFT, PolyPhen-2, Align-GVGD) all suggest that this variant is likely to be tolerated. In summary, the available evidence is currently insufficient to determine the role of this variant in disease. Therefore, it has been classified as a Variant of Uncertain Significance.